The following is an entry in ClinVar:

NM_000202.8(IDS):c.890G>A (p.Arg297His)

Genes: IDS (iduronate 2-sulfatase; minus strand), LOC106050102 (IDS recombination region; plus strand). Cytogenetic location: Xq28.
Variant type: single nucleotide variant.
Coding change: c.890G>A on transcript NM_000202.8 (MANE Select); coding-DNA position 890, G replaced by A.
Protein change: p.Arg297His; replaces arginine 297 with histidine.
Molecular consequence: missense variant. On other transcripts: non-coding transcript variant (1).
Genome position (GRCh38, 1-based): chrX:149,490,430, C>T on the plus strand (G>A on the coding strand, the complement: IDS is on the minus strand). VCF-style: chrX-149490430-C-T. GRCh37 (hg19) VCF-style: chrX-148571961-C-T.
Other names: c.620G>A, p.Arg207His (NM_001166550.4); c.890G>A, p.Arg297His (NM_006123.5); c.890G>A (NM_000202.4); short protein forms R207H, R297H.
Identifiers: ClinVar variation 1806363 (VCV001806363.7), dbSNP rs1290154616, ClinGen allele CA414520502.

ClinVar aggregate classification (germline): Uncertain significance. Review status: criteria provided, multiple submitters, no conflicts (2 of 4 stars). 4 submissions from 4 submitters: Uncertain significance (4). Last evaluated 2025-05-07.

Conditions:
Mucopolysaccharidosis, MPS-II (MPS2). Also called: Attenuated MPS (subtype; formerly known as mild MPS II); Severe MPS II; I2S deficiency; MPS 2; Hunter Syndrome; IDURONATE 2-SULFATASE DEFICIENCY. Identifiers: Orphanet 580, Orphanet 79388, MedGen C0026705, MONDO:0010674, OMIM 309900.

Allele frequency attached by ClinVar (database versions not stated): gnomAD 0.00001; TOPMed 0.00002.

Submissions (4):

Revvity Omics, Revvity
Classification: Uncertain significance for Mucopolysaccharidosis, MPS-II. Last evaluated: 2025-05-07. Review status: criteria provided, single submitter. Criteria: ACMG Guidelines, 2015. Collection method: clinical testing. Allele origin: germline.

GeneDx
Classification: Uncertain significance. Last evaluated: 2024-10-29. Review status: criteria provided, single submitter. Criteria: GeneDx Variant Classification Process June 2021. Collection method: clinical testing. Allele origin: germline. Affected: yes.
Comment: In silico analysis supports that this missense variant has a deleterious effect on protein structure/function; This variant is associated with the following publications: (PMID: 33096603, 31877959, 33117908, 29801497, 30409495, 33124617)

Labcorp Genetics (formerly Invitae), Labcorp
Classification: Uncertain significance for Mucopolysaccharidosis, MPS-II. Last evaluated: 2022-09-21. Review status: criteria provided, single submitter. Criteria: Invitae Variant Classification Sherloc (09022015). Collection method: clinical testing. Allele origin: germline.
Comment: This sequence change replaces arginine, which is basic and polar, with histidine, which is basic and polar, at codon 297 of the IDS protein (p.Arg297His). The frequency data for this variant in the population databases is considered unreliable, as metrics indicate poor data quality at this position in the gnomAD database. This missense change has been observed in individual(s) with mucopolysaccharidosis type II (PMID: 29801497). Advanced modeling of protein sequence and biophysical properties (such as structural, functional, and spatial information, amino acid conservation, physicochemical variation, residue mobility, and thermodynamic stability) performed at Invitae indicates that this missense variant is expected to disrupt IDS protein function. In summary, the available evidence is currently insufficient to determine the role of this variant in disease. Therefore, it has been classified as a Variant of Uncertain Significance.

Victorian Clinical Genetics Services, Murdoch Childrens Research Institute
Classification: Uncertain significance for Mucopolysaccharidosis, MPS-II. Last evaluated: 2021-05-06. Review status: criteria provided, single submitter. Criteria: ACMG Guidelines, 2015. Collection method: clinical testing. Allele origin: germline. Inheritance: X-linked recessive inheritance.
Comment: Based on the classification scheme VCGS_Germline_v1.3.4, this variant is classified as VUS-3B. Following criteria are met: 0102 - Loss of function is a known mechanism of disease in this gene and is associated with mucopolysaccharidosis II (MPS II) (MIM#309900). (I) 0109 - This gene is associated with X-linked recessive disease. (I) 0200 - Variant is predicted to result in a missense amino acid change from arginine to histidine. (I) 0251 - This variant is heterozygous. (I) 0304 - Variant is present in gnomAD <0.01 for a recessive condition (v2) (0 heterozygotes, 0 homozygotes, 1 hemizygotes). (SP) 0309 - An alternative amino acid change, p.(Arg297Cys) at the same position has been observed in gnomAD (v2) (5 heterozygotes, 0 homozygotes, 4 hemizygotes). (I) 0501 - Missense variant consistently predicted to be damaging by multiple in silico tools or highly conserved with a major amino acid change. (SP) 0600 - Variant is located in the annotated sulfatase domain (Pfam). (I) 0701 - Another missense variant comparable to the one identified in this case has inconclusive previous evidence for pathogenicity. (I) 0705 - No comparable missense variants have previous evidence for pathogenicity. (I) 0809 - Previous evidence of pathogenicity for this variant is inconclusive. It is commonly reported as a pseudodeficiency variant (PMIDs: 30409495; 31877959; 3311790; 33124617). (I) 0905 - No published segregation evidence has been identified for this variant. (I) 1010 - Functional evidence for this variant is inconclusive. Lin et al suggest that this variant may contribute to an attenuated form of MPS II or no phenotype at all (PMIDs: 31877959; 33096603). (I) Legend: (SP) - Supporting pathogenic, (I) - Information, (SB) - Supporting benign

Literature cited by the submitters: PubMed 29801497 (cited by Labcorp Genetics (formerly Invitae), Labcorp); PubMed 30409495 (cited by Victorian Clinical Genetics Services, Murdoch Childrens Research Institute); PubMed 31877959 (cited by Victorian Clinical Genetics Services, Murdoch Childrens Research Institute); PubMed 33096603 (cited by Victorian Clinical Genetics Services, Murdoch Childrens Research Institute); PubMed 33117908 (cited by Victorian Clinical Genetics Services, Murdoch Childrens Research Institute); PubMed 33124617 (cited by Victorian Clinical Genetics Services, Murdoch Childrens Research Institute).